The following is an entry in ClinVar:

NM_003171.5(SUPV3L1):c.2183C>A (p.Ala728Glu)

Gene: SUPV3L1 (Suv3 like RNA helicase; plus strand). Cytogenetic location: 10q22.1.
Variant type: single nucleotide variant.
Coding change: c.2183C>A on transcript NM_003171.5 (MANE Select); coding-DNA position 2183, C replaced by A.
Protein change: p.Ala728Glu; replaces alanine 728 with glutamic acid.
Molecular consequence: missense variant. On other transcripts: non-coding transcript variant (2).
Genome position (GRCh38, 1-based): chr10:69,208,857, C>A. VCF-style: chr10-69208857-C-A. GRCh37 (hg19) VCF-style: chr10-70968613-C-A.
Other names: c.1790C>A, p.Ala597Glu (NM_001301683.2, NM_001323584.2); c.1820C>A, p.Ala607Glu (NM_001323585.2, NM_001323586.2); c.1196C>A, p.Ala399Glu (NM_001323587.2, NM_001323588.2); short protein forms A399E, A597E, A728E, A607E.
Identifiers: ClinVar variation 2374147 (VCV002374147.7), dbSNP rs200900544, ClinGen allele CA5530961.

ClinVar aggregate classification (germline): Conflicting classifications of pathogenicity. Review status: criteria provided, conflicting classifications (1 of 4 stars). 2 submissions from 2 submitters: Uncertain significance (1); Likely benign (1). Last evaluated 2026-02-01.

Allele frequency attached by ClinVar (database versions not stated): 1000 Genomes Project 30x 0.00016; 1000 Genomes Project 0.00020; TOPMed 0.00061; ESP Exome Variant Server 0.00062; ExAC 0.00069; gnomAD 0.00074.
gnomAD v4.1: 1,694 of 1,614,146 alleles (0.1%); highest among the groups gnomAD compares: Non-Finnish European, 0.13%; 2 homozygotes.

Submissions (2):

CeGaT Center for Human Genetics Tuebingen
Classification: Likely benign. Last evaluated: 2026-02-01. Review status: criteria provided, single submitter. Criteria: CeGaT Center For Human Genetics Tuebingen Variant Classification Criteria Version 2. Collection method: clinical testing. Allele origin: germline. Affected: yes. Observed: 1 variant allele.
Comment: SUPV3L1: BP4

Ambry Genetics
Classification: Uncertain significance. Last evaluated: 2024-04-27. Review status: criteria provided, single submitter. Criteria: Ambry Variant Classification Scheme 2023. Collection method: clinical testing. Allele origin: germline.